The following is an entry in ClinVar:

NM_138711.6(PPARG):c.435A>T (p.Arg145Ser)

Gene: PPARG (peroxisome proliferator activated receptor gamma; plus strand). Cytogenetic location: 3p25.2.
Variant type: single nucleotide variant.
Coding change: c.435A>T on transcript NM_138711.6 (MANE Select); coding-DNA position 435, A replaced by T.
Protein change: p.Arg145Ser; replaces arginine 145 with serine.
Molecular consequence: missense variant.
Genome position (GRCh38, 1-based): chr3:12,392,658, A>T. VCF-style: chr3-12392658-A-T. GRCh37 (hg19) VCF-style: chr3-12434157-A-T.
Other names: c.435A>T, p.Arg145Ser (NM_001330615.4, NM_001354666.3, NM_001354667.3 and 6 more transcripts); c.525A>T, p.Arg175Ser (NM_001354668.2, NM_001374265.1, NM_015869.5); c.8A>T, p.Asp3Val (NM_001354669.2); c.441A>T, p.Arg147Ser (NM_001354670.2, NM_001374266.1); short protein forms D3V, R145S, R147S, R175S.
Identifiers: ClinVar variation 3356135 (VCV003356135.1).

ClinVar aggregate classification (germline): Uncertain significance (0 of 4 stars; one submission).

Conditions:
PPARG-related disorder. Also called: PPARG-related disorders; PPARG-related condition.

gnomAD v4.1: 2 of 1,613,878 alleles (0.00012%); highest among the groups gnomAD compares: Non-Finnish European, 0.00017%; no homozygotes.

Submission:

PreventionGenetics, part of Exact Sciences
Classification: Uncertain significance for PPARG-related condition. Last evaluated: 2024-05-17. Review status: no assertion criteria provided. Collection method: clinical testing. Allele origin: germline.
Comment: The PPARG c.525A>T variant is predicted to result in the amino acid substitution p.Arg175Ser. To our knowledge, this variant has not been reported in the literature or in a large population database, indicating this variant is rare. At this time, the clinical significance of this variant is uncertain due to the absence of conclusive functional and genetic evidence.